The following is an entry in ClinVar:

ClinVar aggregate classification (germline): Uncertain significance (1 of 4 stars; one submission).

Conditions:
KBG syndrome (KBGS). Also called: ANKRD11-Related KBG Syndrome. Identifiers: Orphanet 2332, MedGen C0220687, MONDO:0007846, OMIM 148050.

Allele frequency attached by ClinVar (database versions not stated): gnomAD 0.00006.
gnomAD v4.1: 24 of 1,577,970 alleles (0.0015%); highest among the groups gnomAD compares: African/African-American, 0.019%; no homozygotes.

Submission:

Labcorp Genetics (formerly Invitae), Labcorp
Classification: Uncertain significance for KBG syndrome. Last evaluated: 2025-09-24. Review status: criteria provided, single submitter. Criteria: Invitae Variant Classification Sherloc (09022015). Collection method: clinical testing. Allele origin: germline.
Comment: This sequence change replaces alanine, which is neutral and non-polar, with proline, which is neutral and non-polar, at codon 1864 of the ANKRD11 protein (p.Ala1864Pro). This variant is present in population databases (rs576333338, gnomAD 0.02%). This variant has not been reported in the literature in individuals affected with ANKRD11-related conditions. ClinVar contains an entry for this variant (Variation ID: 2050637). Invitae Evidence Modeling of protein sequence and biophysical properties (such as structural, functional, and spatial information, amino acid conservation, physicochemical variation, residue mobility, and thermodynamic stability) indicates that this missense variant is not expected to disrupt ANKRD11 protein function with a negative predictive value of 95%. In summary, the available evidence is currently insufficient to determine the role of this variant in disease. Therefore, it has been classified as a Variant of Uncertain Significance.

NM_013275.6(ANKRD11):c.5590G>C (p.Ala1864Pro)

Gene: ANKRD11 (ankyrin repeat domain 11; minus strand). Cytogenetic location: 16q24.3.
Variant type: single nucleotide variant.
Coding change: c.5590G>C on transcript NM_013275.6 (MANE Select); coding-DNA position 5590, G replaced by C.
Protein change: p.Ala1864Pro; replaces alanine 1864 with proline.
Molecular consequence: missense variant.
Genome position (GRCh38, 1-based): chr16:89,280,952, C>G on the plus strand (G>C on the coding strand, the complement: ANKRD11 is on the minus strand). VCF-style: chr16-89280952-C-G. GRCh37 (hg19) VCF-style: chr16-89347360-C-G.
Other names: c.5590G>C, p.Ala1864Pro (NM_001256182.2, NM_001256183.2); short protein forms A1864P.
Identifiers: ClinVar variation 2050637 (VCV002050637.4), dbSNP rs576333338, ClinGen allele CA8241788.